The following is an entry in ClinVar:

ClinVar aggregate classification (germline): Conflicting classifications of pathogenicity. Review status: criteria provided, conflicting classifications (1 of 4 stars). 3 submissions from 3 submitters: Uncertain significance (2); Likely benign (1). Last evaluated 2025-12-21.

Conditions:
Inborn genetic diseases. Identifiers: MedGen C0950123, MeSH D030342.

Allele frequency attached by ClinVar (database versions not stated): gnomAD exomes 0.00001; ExAC 0.00002; gnomAD 0.00003; 1000 Genomes Project 30x 0.00016; 1000 Genomes Project 0.00020; TOPMed 0.00004; ESP Exome Variant Server 0.00008.
gnomAD v4.1: 24 of 1,613,954 alleles (0.0015%); highest among the groups gnomAD compares: East Asian, 0.022%; no homozygotes.

Submissions (3):

Labcorp Genetics (formerly Invitae), Labcorp
Classification: Uncertain significance. Last evaluated: 2025-12-21. Review status: criteria provided, single submitter. Criteria: Invitae Variant Classification Sherloc (09022015). Collection method: clinical testing. Allele origin: germline.
Comment: This sequence change replaces proline, which is neutral and non-polar, with leucine, which is neutral and non-polar, at codon 202 of the TRRAP protein (p.Pro202Leu). This variant is present in population databases (rs372524646, gnomAD 0.02%). This variant has not been reported in the literature in individuals affected with TRRAP-related conditions. ClinVar contains an entry for this variant (Variation ID: 1937265). Invitae Evidence Modeling of protein sequence and biophysical properties (such as structural, functional, and spatial information, amino acid conservation, physicochemical variation, residue mobility, and thermodynamic stability) indicates that this missense variant is not expected to disrupt TRRAP protein function with a negative predictive value of 80%. In summary, the available evidence is currently insufficient to determine the role of this variant in disease. Therefore, it has been classified as a Variant of Uncertain Significance.

Ambry Genetics
Classification: Likely benign for Inborn genetic diseases. Last evaluated: 2025-08-10. Review status: criteria provided, single submitter. Criteria: Ambry Variant Classification Scheme 2023. Collection method: clinical testing. Allele origin: germline.

Revvity Omics, Revvity
Classification: Uncertain significance. Last evaluated: 2025-03-19. Review status: criteria provided, single submitter. Criteria: ACMG Guidelines, 2015. Collection method: clinical testing. Allele origin: germline.

NM_001375524.1(TRRAP):c.605C>T (p.Pro202Leu)

Gene: TRRAP (transformation/transcription domain associated protein; plus strand). Cytogenetic location: 7q22.1.
Variant type: single nucleotide variant.
Coding change: c.605C>T on transcript NM_001375524.1 (MANE Select); coding-DNA position 605, C replaced by T.
Protein change: p.Pro202Leu; replaces proline 202 with leucine.
Molecular consequence: missense variant.
Genome position (GRCh38, 1-based): chr7:98,897,838, C>T. VCF-style: chr7-98897838-C-T. GRCh37 (hg19) VCF-style: chr7-98495461-C-T.
Other names: c.605C>T (NM_003496.3, NM_001244580.1); c.605C>T, p.Pro202Leu (NM_001244580.2, NM_003496.4); short protein forms P202L.
Identifiers: ClinVar variation 1937265 (VCV001937265.7), dbSNP rs372524646, ClinGen allele CA4359293.